The following is an entry in ClinVar:

NM_018344.6(SLC29A3):c.1219G>A (p.Val407Met)

Gene: SLC29A3 (solute carrier family 29 member 3; plus strand). Cytogenetic location: 10q22.1.
Variant type: single nucleotide variant.
Coding change: c.1219G>A on transcript NM_018344.6 (MANE Select); coding-DNA position 1219, G replaced by A.
Protein change: p.Val407Met; replaces valine 407 with methionine.
Molecular consequence: missense variant. On other transcripts: 3 prime UTR variant (1), non-coding transcript variant (2).
Genome position (GRCh38, 1-based): chr10:71,362,399, G>A. VCF-style: chr10-71362399-G-A. GRCh37 (hg19) VCF-style: chr10-73122156-G-A.
Other names: c.*448G>A (NM_001174098.2); c.985G>A, p.Val329Met (NM_001363518.2); short protein forms V407M, V329M.
Identifiers: ClinVar variation 572794 (VCV000572794.11), dbSNP rs144517514, ClinGen allele CA5543153.

ClinVar aggregate classification (germline): Uncertain significance. Review status: criteria provided, multiple submitters, no conflicts (2 of 4 stars). 2 submissions from 2 submitters: Uncertain significance (2). Last evaluated 2024-10-22.

Conditions:
H syndrome. Also called: Pigmented hypertrichosis and insulin-dependent diabetes mellitus; FAISALABAD HISTIOCYTOSIS; Histiocytosis with joint contractures and sensorineural deafness; HISTIOCYTOSIS AND LYMPHADENOPATHY WITH OR WITHOUT CUTANEOUS, CARDIAC, AND/OR ENDOCRINE FEATURES, JOINT CONTRACTURES, AND/OR DEAFNESS; HYPERPIGMENTATION, CUTANEOUS, WITH HYPERTRICHOSIS, HEPATOSPLENOMEGALY, HEART ANOMALIES, AND HYPOGONADISM WITH OR WITHOUT HEARING LOSS; PIGMENTED HYPERTRICHOSIS WITH INSULIN-DEPENDENT DIABETES MELLITUS. Identifiers: Orphanet 168569, MedGen C1864445, MONDO:0011273, OMIM 602782.

Allele frequency attached by ClinVar (database versions not stated): ExAC 0.00002; gnomAD 0.00002; gnomAD exomes 0.00002 and 0.00003; TOPMed 0.00002; ESP Exome Variant Server 0.00008.
gnomAD v4.1: 34 of 1,614,066 alleles (0.0021%); highest among the groups gnomAD compares: Middle Eastern, 0.049%; no homozygotes.

Submissions (2):

Labcorp Genetics (formerly Invitae), Labcorp
Classification: Uncertain significance for H syndrome. Last evaluated: 2024-10-22. Review status: criteria provided, single submitter. Criteria: Invitae Variant Classification Sherloc (09022015). Collection method: clinical testing. Allele origin: germline.
Comment: This sequence change replaces valine, which is neutral and non-polar, with methionine, which is neutral and non-polar, at codon 407 of the SLC29A3 protein (p.Val407Met). This variant is present in population databases (rs144517514, gnomAD 0.006%). This variant has not been reported in the literature in individuals affected with SLC29A3-related conditions. ClinVar contains an entry for this variant (Variation ID: 572794). Invitae Evidence Modeling of protein sequence and biophysical properties (such as structural, functional, and spatial information, amino acid conservation, physicochemical variation, residue mobility, and thermodynamic stability) indicates that this missense variant is not expected to disrupt SLC29A3 protein function with a negative predictive value of 80%. In summary, the available evidence is currently insufficient to determine the role of this variant in disease. Therefore, it has been classified as a Variant of Uncertain Significance.

Blueprint Genetics
Classification: Uncertain significance. Last evaluated: 2023-01-19. Review status: criteria provided, single submitter. Criteria: ACMG Guidelines, 2015. Collection method: clinical testing. Allele origin: germline.